The following is an entry in ClinVar:

NM_001040108.2(MLH3):c.4088A>G (p.His1363Arg)

Gene: MLH3 (mutL homolog 3; minus strand). Cytogenetic location: 14q24.3.
Variant type: single nucleotide variant.
Coding change: c.4088A>G on transcript NM_001040108.2 (MANE Select); coding-DNA position 4088, A replaced by G.
Protein change: p.His1363Arg; replaces histidine 1363 with arginine.
Molecular consequence: missense variant.
Genome position (GRCh38, 1-based): chr14:75,022,816, T>C on the plus strand (A>G on the coding strand, the complement: MLH3 is on the minus strand). VCF-style: chr14-75022816-T-C. GRCh37 (hg19) VCF-style: chr14-75489519-T-C.
Other names: c.4016A>G, p.His1339Arg (NM_014381.3); short protein forms H1339R, H1363R.
Identifiers: ClinVar variation 2497066 (VCV002497066.6), dbSNP rs146090446, ClinGen allele CA7275238.

ClinVar aggregate classification (germline): Uncertain significance. Review status: criteria provided, multiple submitters, no conflicts (2 of 4 stars). 2 submissions from 2 submitters: Uncertain significance (2). Last evaluated 2025-01-07.

Conditions:
Colorectal cancer, hereditary nonpolyposis, type 7. Identifiers: Orphanet 144, MedGen C1858380, MONDO:0013725, OMIM 614385.

Allele frequency attached by ClinVar (database versions not stated): gnomAD exomes below 0.00001; gnomAD 0.00001; ExAC 0.00002; ESP Exome Variant Server 0.00008; 1000 Genomes Project 30x 0.00016; 1000 Genomes Project 0.00020.
gnomAD v4.1: 3 of 1,614,064 alleles (0.00019%); highest among the groups gnomAD compares: Non-Finnish European, 0.00025%; no homozygotes.

Submissions (2):

Ambry Genetics
Classification: Uncertain significance. Last evaluated: 2025-01-07. Review status: criteria provided, single submitter. Criteria: Ambry Variant Classification Scheme 2023. Collection method: clinical testing. Allele origin: germline.
Comment: The p.H1363R variant (also known as c.4088A>G), located in coding exon 10 of the MLH3 gene, results from an A to G substitution at nucleotide position 4088. The histidine at codon 1363 is replaced by arginine, an amino acid with highly similar properties. This amino acid position is highly conserved in available vertebrate species. In addition, this alteration is predicted to be deleterious by in silico analysis. The evidence for this gene-disease relationship is limited; therefore, the clinical significance of this alteration is unclear.

Labcorp Genetics (formerly Invitae), Labcorp
Classification: Uncertain significance for Colorectal cancer, hereditary nonpolyposis, type 7. Last evaluated: 2022-11-17. Review status: criteria provided, single submitter. Criteria: Invitae Variant Classification Sherloc (09022015). Collection method: clinical testing. Allele origin: germline.
Comment: This sequence change replaces histidine, which is basic and polar, with arginine, which is basic and polar, at codon 1363 of the MLH3 protein (p.His1363Arg). In summary, the available evidence is currently insufficient to determine the role of this variant in disease. Therefore, it has been classified as a Variant of Uncertain Significance. Algorithms developed to predict the effect of missense changes on protein structure and function are either unavailable or do not agree on the potential impact of this missense change (SIFT: "Tolerated"; PolyPhen-2: "Probably Damaging"; Align-GVGD: "Class C0"). This variant has not been reported in the literature in individuals affected with MLH3-related conditions. This variant is present in population databases (rs146090446, gnomAD 0.0009%).